The following is an entry in ClinVar:

ClinVar aggregate classification (germline): Uncertain significance (0 of 4 stars; one submission).

Allele frequency attached by ClinVar (database versions not stated): TOPMed below 0.00001.

Submission:

Genetic Services Laboratory, University of Chicago
Classification: Uncertain significance. Last evaluated: 2022-08-22. Review status: no assertion criteria provided. Collection method: clinical testing. Allele origin: germline. Affected: no.
Comment: DNA sequence analysis of the FGA gene demonstrated a sequence change, c.928C>T, in exon 5 that results in an amino acid change, p.Pro310Ser. This sequence change does not appear to have been previously described in individuals with FGA-related disorders and has also not been described in population databases such as ExAC and gnomAD. The p.Pro310Ser change affects a moderately conserved amino acid residue located in a domain of the FGA protein that is not known to be functional. The p.Pro310Ser substitution appears to be benign using several in-silico pathogenicity prediction tools (SIFT, Align GVGD, REVEL). Due to insufficient evidences and the lack of functional studies, the clinical significance of the p.Pro310Ser change remains unknown at this time.

NM_021871.4(FGA):c.928C>T (p.Pro310Ser)

Gene: FGA (fibrinogen alpha chain; minus strand). Cytogenetic location: 4q31.3.
Variant type: single nucleotide variant.
Coding change: c.928C>T on transcript NM_021871.4 (MANE Select); coding-DNA position 928, C replaced by T.
Protein change: p.Pro310Ser; replaces proline 310 with serine.
Molecular consequence: missense variant.
Genome position (GRCh38, 1-based): chr4:154,586,501, G>A on the plus strand (C>T on the coding strand, the complement: FGA is on the minus strand). VCF-style: chr4-154586501-G-A. GRCh37 (hg19) VCF-style: chr4-155507653-G-A.
Other names: c.928C>T, p.Pro310Ser (NM_000508.5); short protein forms P310S.
Identifiers: ClinVar variation 2443134 (VCV002443134.2), dbSNP rs772688113, ClinGen allele CA358530837.